The following is an entry in ClinVar:

NM_001286445.3(RIPOR2):c.3094T>C (p.Cys1032Arg)

Gene: RIPOR2 (RHO family interacting cell polarization regulator 2; minus strand). Cytogenetic location: 6p22.3.
Variant type: single nucleotide variant.
Coding change: c.3094T>C on transcript NM_001286445.3 (MANE Select); coding-DNA position 3094, T replaced by C.
Protein change: p.Cys1032Arg; replaces cysteine 1032 with arginine.
Molecular consequence: missense variant.
Genome position (GRCh38, 1-based): chr6:24,806,423, A>G on the plus strand (T>C on the coding strand, the complement: RIPOR2 is on the minus strand). VCF-style: chr6-24806423-A-G. GRCh37 (hg19) VCF-style: chr6-24806651-A-G.
Other names: c.3007T>C, p.Cys1003Arg (NM_001346031.2, NM_001346032.2); c.3157T>C, p.Cys1053Arg (NM_014722.5); c.3157T>C (NM_014722.2, NM_014722.3); short protein forms C1003R, C1032R, C1053R.
Identifiers: ClinVar variation 1680477 (VCV001680477.10), dbSNP rs756843533, ClinGen allele CA136160587.

ClinVar aggregate classification (germline): Uncertain significance. Review status: criteria provided, multiple submitters, no conflicts (2 of 4 stars). 3 submissions from 3 submitters: Uncertain significance (3). Last evaluated 2025-12-17.

Allele frequency attached by ClinVar (database versions not stated): gnomAD 0.00002; gnomAD exomes 0.00002; TOPMed 0.00002.
gnomAD v4.1: 39 of 1,551,722 alleles (0.0025%); highest among the groups gnomAD compares: Admixed American, 0.0059%; no homozygotes.

Submissions (3):

Labcorp Genetics (formerly Invitae), Labcorp
Classification: Uncertain significance. Last evaluated: 2025-12-17. Review status: criteria provided, single submitter. Criteria: Invitae Variant Classification Sherloc (09022015). Collection method: clinical testing. Allele origin: germline.
Comment: This sequence change replaces cysteine, which is neutral and slightly polar, with arginine, which is basic and polar, at codon 1053 of the FAM65B protein (p.Cys1053Arg). This variant is present in population databases (rs756843533, gnomAD 0.008%). This variant has not been reported in the literature in individuals affected with FAM65B-related conditions. ClinVar contains an entry for this variant (Variation ID: 1680477). An algorithm developed to predict the effect of missense changes on protein structure and function outputs the following: PolyPhen-2: "Benign". The arginine amino acid residue is found in multiple mammalian species, which suggests that this missense change does not adversely affect protein function. In summary, the available evidence is currently insufficient to determine the role of this variant in disease. Therefore, it has been classified as a Variant of Uncertain Significance.

GeneDx
Classification: Uncertain significance. Last evaluated: 2024-05-15. Review status: criteria provided, single submitter. Criteria: GeneDx Variant Classification Process June 2021. Collection method: clinical testing. Allele origin: germline. Affected: yes.
Comment: Not observed at significant frequency in large population cohorts (gnomAD); In silico analysis indicates that this missense variant does not alter protein structure/function; Has not been previously published as pathogenic or benign to our knowledge; Variants in candidate genes are classified as variants of uncertain significance in accordance with ACMG guidelines (PMID: 25741868)

Ambry Genetics
Classification: Uncertain significance. Last evaluated: 2023-10-20. Review status: criteria provided, single submitter. Criteria: Ambry Variant Classification Scheme 2023. Collection method: clinical testing. Allele origin: germline.